The following is an entry in ClinVar:

ClinVar aggregate classification (germline): Benign/Likely benign. Review status: criteria provided, multiple submitters, no conflicts (2 of 4 stars). 3 submissions from 3 submitters: Benign (1); Likely benign (2). Last evaluated 2018-09-11.

Conditions:
Charcot-Marie-Tooth disease type 4B2. Also called: Charcot-Marie-Tooth Neuropathy Type 4B2; CHARCOT-MARIE-TOOTH DISEASE, WITH FOCALLY FOLDED MYELIN SHEATHS, AUTOSOMAL RECESSIVE, TYPE 4B2; CMT 4B2; CHARCOT-MARIE-TOOTH DISEASE, DEMYELINATING, TYPE 4B2. Identifiers: Orphanet 99956, MedGen C1858278, MONDO:0011475, OMIM 604563.

Allele frequency attached by ClinVar (database versions not stated): 1000 Genomes Project 0.00180; 1000 Genomes Project 30x 0.00187; TOPMed 0.00486; ESP Exome Variant Server 0.00608; gnomAD exomes 0.00714 and 0.00749; gnomAD 0.00718 and 0.00749; ExAC 0.00800.
gnomAD v4.1: 11,007 of 1,476,332 alleles (0.75%); highest among the groups gnomAD compares: Non-Finnish European, 0.86%; 80 homozygotes.

Submissions (3):

GeneDx
Classification: Likely benign. Last evaluated: 2018-09-11. Review status: criteria provided, single submitter. Criteria: GeneDx Variant Classification Process June 2021. Collection method: clinical testing. Allele origin: germline. Affected: yes.

Illumina Laboratory Services, Illumina
Classification: Benign for Charcot-Marie-Tooth disease type 4B2. Last evaluated: 2018-01-13. Review status: criteria provided, single submitter. Criteria: ICSL Variant Classification Criteria 13 December 2019. Collection method: clinical testing. Allele origin: germline.
Comment: This variant was observed in the ICSL laboratory as part of a predisposition screen in an ostensibly healthy population. It had not been previously curated by ICSL or reported in the Human Gene Mutation Database (HGMD: prior to June 1st, 2018), and was therefore a candidate for classification through an automated scoring system. Utilizing variant allele frequency, disease prevalence and penetrance estimates, and inheritance mode, an automated score was calculated to assess if this variant is too frequent to cause the disease. Based on the score and internal cut-off values, a variant classified as benign is not then subjected to further curation. The score for this variant resulted in a classification of benign for this disease.

Breakthrough Genomics
Classification: Likely benign. Review status: criteria provided, single submitter. Criteria: ACMG Guidelines, 2015. Collection method: not provided. Allele origin: germline. Inheritance: Autosomal recessive inheritance. Affected: yes.

NM_030962.4(SBF2):c.*51T>C

Genes: SBF2-AS1 (SBF2 antisense RNA 1; plus strand), SBF2 (SET binding factor 2; minus strand). Cytogenetic location: 11p15.4.
Variant type: single nucleotide variant.
Coding change: c.*51T>C on transcript NM_030962.4 (MANE Select); 51 bases downstream of the stop codon, T replaced by C.
Molecular consequence: 3 prime UTR variant.
Genome position (GRCh38, 1-based): chr11:9,780,367, A>G on the plus strand (T>C on the coding strand, the complement: SBF2 is on the minus strand). VCF-style: chr11-9780367-A-G. GRCh37 (hg19) VCF-style: chr11-9801914-A-G.
Other names: c.*51T>C (NM_001386339.1, NM_001386342.1).
Identifiers: ClinVar variation 306571 (VCV000306571.9), dbSNP rs41275194, ClinGen allele CA5880670.